The following is an entry in ClinVar:

ClinVar aggregate classification (germline): Uncertain significance (1 of 4 stars; one submission).

Conditions:
Pitt-Hopkins-like syndrome 2 (PTHSL2). Identifiers: Orphanet 221150, Orphanet 600663, MedGen C3280479, MONDO:0013690, OMIM 614325.

Allele frequency attached by ClinVar (database versions not stated): gnomAD exomes below 0.00001; TOPMed below 0.00001.
gnomAD v4.1: 2 of 1,554,442 alleles (0.00013%); highest among the groups gnomAD compares: Non-Finnish European, 0.00017%; no homozygotes.

Submission:

Labcorp Genetics (formerly Invitae), Labcorp
Classification: Uncertain significance for Pitt-Hopkins-like syndrome 2. Last evaluated: 2022-08-28. Review status: criteria provided, single submitter. Criteria: Invitae Variant Classification Sherloc (09022015). Collection method: clinical testing. Allele origin: germline.
Comment: In summary, the available evidence is currently insufficient to determine the role of this variant in disease. Therefore, it has been classified as a Variant of Uncertain Significance. Algorithms developed to predict the effect of missense changes on protein structure and function are either unavailable or do not agree on the potential impact of this missense change (SIFT: "Tolerated"; PolyPhen-2: "Possibly Damaging"; Align-GVGD: "Class C0"). This variant has not been reported in the literature in individuals affected with NRXN1-related conditions. This variant is not present in population databases (gnomAD no frequency). This sequence change replaces glycine, which is neutral and non-polar, with serine, which is neutral and polar, at codon 249 of the NRXN1 protein (p.Gly249Ser).

NM_001330078.2(NRXN1):c.745G>A (p.Gly249Ser)

Gene: NRXN1 (neurexin 1; minus strand). Cytogenetic location: 2p16.3.
Variant type: single nucleotide variant.
Coding change: c.745G>A on transcript NM_001330078.2 (MANE Select); coding-DNA position 745, G replaced by A.
Protein change: p.Gly249Ser; replaces glycine 249 with serine.
Molecular consequence: missense variant.
Genome position (GRCh38, 1-based): chr2:51,027,529, C>T on the plus strand (G>A on the coding strand, the complement: NRXN1 is on the minus strand). VCF-style: chr2-51027529-C-T. GRCh37 (hg19) VCF-style: chr2-51254667-C-T.
Other names: c.745G>A, p.Gly249Ser (NM_001135659.3, NM_001330077.2, NM_001330079.2 and 15 more transcripts); short protein forms G249S.
Identifiers: ClinVar variation 1718204 (VCV001718204.5), dbSNP rs1670715597, ClinGen allele CA346823371.
Genomic context (GRCh38, chr2:51,027,529, plus strand): 5'-CCCGGCCCCCGTGGGTCGGGCGTCGGGCCTTACCTTGGCTGCAGTCCTTGCCGCGGAAGC[C>T]GGTTCGCGAGCAGTCGCACACGGCCTGGTCGTCCACCACGGAGCACACACCTCCGTTGAG-3'
Protein context (NP_001317007.1, residues 239-259): DQAVCDCSRT[Gly249Ser]FRGKDCSQED